The following is an entry in ClinVar:

ClinVar aggregate classification (germline): Pathogenic/Likely pathogenic. Review status: criteria provided, multiple submitters, no conflicts (2 of 4 stars). 10 submissions from 10 submitters: Pathogenic (9); Likely pathogenic (1). Last evaluated 2025-12-15.

Conditions:
SGCB-related disorder. Also called: SGCB-related condition.
Qualitative or quantitative defects of beta-sarcoglycan. Identifiers: Orphanet 207063, MedGen C2930900, MONDO:0016142.
Autosomal recessive limb-girdle muscular dystrophy type 2E (LGMDR4). Also called: MUSCULAR DYSTROPHY, LIMB-GIRDLE, AUTOSOMAL RECESSIVE 4. Identifiers: Orphanet 119, MedGen C1858593, MONDO:0011423, OMIM 604286. Disease mechanism: Affects gamma-sarcoglycan and also disrupts the integrity of the entire sarcoglycan complex..

Allele frequency attached by ClinVar (database versions not stated): gnomAD exomes 0.00003 and 0.00005; gnomAD 0.00004; TOPMed 0.00006.

Submissions (10):

Labcorp Genetics (formerly Invitae), Labcorp
Classification: Pathogenic for Autosomal recessive limb-girdle muscular dystrophy type 2E. Last evaluated: 2025-12-15. Review status: criteria provided, single submitter. Criteria: Invitae Variant Classification Sherloc (09022015). Collection method: clinical testing. Allele origin: germline.
Comment: This sequence change affects the initiator codon of the SGCB mRNA. This change may impact translation initiation or efficiency. The next in-frame methionine is located at codon 22. The frequency data for this variant in the population databases is considered unreliable, as metrics indicate poor data quality at this position in the gnomAD database. Disruption of the initiator codon has been observed in individuals with clinical features of SGCB-related conditions (PMID: 12566530, 15938573, 18996010, 25862795). ClinVar contains an entry for this variant (Variation ID: 282860). For these reasons, this variant has been classified as Pathogenic.

Revvity Omics, Revvity
Classification: Pathogenic for Autosomal recessive limb-girdle muscular dystrophy type 2E. Last evaluated: 2025-08-08. Review status: criteria provided, single submitter. Criteria: ACMG Guidelines, 2015. Collection method: clinical testing. Allele origin: germline.

Natera, Inc.
Classification: Pathogenic for Limb-girdle muscular dystrophy type 2E. Last evaluated: 2025-07-07. Review status: criteria provided, single submitter. Criteria: Natera Variant Classification Schema (03/2026). Collection method: clinical testing. Allele origin: germline.
Comment: The c.1_2delAT variant in SGCB is predicted to result in start loss due to disruption of the initiator methionine. This variant is expected to result in nonsense mediated decay, truncation, or a dysfunctional protein product. This variant is rare in the general population with a frequency below the threshold expected for the associated phenotype(s). This variant has been observed in one or more individuals affected with the associated recessive disease, as either homozygous or compound heterozygous with a second variant (PMID: 18996010). Given the available evidence, this variant is classified as Pathogenic.

GeneDx
Classification: Pathogenic. Last evaluated: 2025-03-18. Review status: criteria provided, single submitter. Criteria: GeneDx Variant Classification Process June 2021. Collection method: clinical testing. Allele origin: germline. Affected: yes.
Comment: Has been reported with the p.Ser114Phe pathogenic variant in patients with features of muscular dystrophy at GeneDx and the published literature but but it is not known whether the variants occurred on the same (in cis) or on different (in trans) chromosomes in some cases (PMID: 37273706, 18996010); Initiation codon variant in a gene for which loss of function is a known mechanism of disease; Not observed at significant frequency in large population cohorts (gnomAD); This variant is associated with the following publications: (PMID: 37273706, 18996010, 29961767, 33726816)

Fulgent Genetics
Classification: Pathogenic for Autosomal recessive limb-girdle muscular dystrophy type 2E. Last evaluated: 2024-06-07. Review status: criteria provided, single submitter. Criteria: ACMG Guidelines, 2015. Collection method: clinical testing. Allele origin: germline.

Blueprint Genetics
Classification: Pathogenic for SGCB-related disorders. Last evaluated: 2021-10-21. Review status: criteria provided, single submitter. Criteria: ACMG Guidelines, 2015. Collection method: clinical testing. Allele origin: germline. Affected: yes. Observed: 3 variant alleles.

Eurofins Ntd Llc (ga)
Classification: Pathogenic. Last evaluated: 2018-07-18. Review status: criteria provided, single submitter. Criteria: EGL ClinVar v180209 classification definitions. Collection method: clinical testing. Allele origin: germline. Observed: 2 variant alleles, 2 heterozygotes.

Clinical Genetics and Genomics, Karolinska University Hospital
Classification: Pathogenic. Last evaluated: 2017-10-26. Review status: criteria provided, single submitter. Criteria: ACMG Guidelines, 2015. Collection method: clinical testing. Allele origin: germline. Affected: yes. Observed: 2 variant alleles.

Illumina Laboratory Services, Illumina
Classification: Likely pathogenic for Beta-sarcoglycanopathy. Last evaluated: 2017-07-10. Review status: criteria provided, single submitter. Criteria: ICSL Variant Classification Criteria 09 May 2019. Collection method: clinical testing. Allele origin: germline.
Comment: The SGCB c.1_2delAT (p.Met1?) variant has been reported in a single study and was found in a compound heterozygous state with the same missense variant in two unrelated individuals with a severe phenotype of beta-sarcoglycanopathy (Klinge et al. 2008). Control data are unavailable for this variant, and it is not found in the 1000 Genomes Project, the Exome Sequencing Project, Exome Aggregation Consortium, or Genome Aggregation Database. However, the coverage of this genomic region may not have been adequate to provide an accurate estimate of the true population frequency. The p.Met1? variant interrupts the initiation codon, and although functional studies of the variant have not been conducted, both compound heterozygous patients showed absent or reduced beta-sarcoglycan expression on immunohistochemistry of muscle biopsies. Based on the evidence, the p.Met1? variant is classified as likely pathogenic for beta-sarcoglycanopathy. This variant was observed by ICSL as part of a predisposition screen in an ostensibly healthy population.

Baylor Genetics
Classification: Pathogenic for Autosomal recessive limb-girdle muscular dystrophy type 2E. Review status: criteria provided, single submitter. Criteria: ACMG Guidelines, 2015. Collection method: clinical testing. Allele origin: germline.

Literature cited by the submitters: PubMed 12566530 (cited by Labcorp Genetics (formerly Invitae), Labcorp); PubMed 15938573 (cited by Labcorp Genetics (formerly Invitae), Labcorp); PubMed 18996010 (cited by 3 submitters); PubMed 25862795 (cited by Labcorp Genetics (formerly Invitae), Labcorp).

NM_000232.5(SGCB):c.1_2del (p.Met1fs)

Genes: SGCB (sarcoglycan beta; minus strand), LOC129992585 (ATAC-STARR-seq lymphoblastoid silent region 15421; plus strand). Cytogenetic location: 4q12.
Variant type: Deletion.
Coding change: c.1_2del on transcript NM_000232.5 (MANE Select); coding-DNA positions 1 to 2, 2 bases deleted (AT; older notation c.1_2delAT).
Protein change: p.Met1fs; shifts the reading frame from methionine 1.
Molecular consequence: frameshift variant, initiator codon variant.
Genome position (GRCh38, 1-based): chr4:52,038,258-52,038,259, AT deleted on the plus strand (AT on the coding strand, the reverse complement: SGCB is on the minus strand). VCF-style (leftmost placement, unchanged base first): chr4-52038257-CAT-C. GRCh37 (hg19) VCF-style: chr4-52904423-CAT-C.
Other names: c.1_2delAT (NM_000232.4).
Identifiers: ClinVar variation 282860 (VCV000282860.29), dbSNP rs886042503, ClinGen allele CA10604324.
Genomic context (GRCh38, chr4:52,038,257, plus strand): 5'-CAGCCCGCGGCCGCGGCGGTACTCACAGACCTGTTCTGCAGCCGCCGCCGCCGCTGCCGC[CAT>C]CTTCCCGCGCCCGCCGCCGCCGAGCTCCCCGCCCGACTGTGCCCGCCCCTCCGCGACCGC-3'